The following is an entry in ClinVar:

ClinVar aggregate classification (germline): Uncertain significance (1 of 4 stars; one submission).

Allele frequency attached by ClinVar (database versions not stated): ExAC 0.00003; gnomAD exomes 0.00003 and 0.00004; gnomAD 0.00005 and 0.00006; TOPMed 0.00007; ESP Exome Variant Server 0.00008.
gnomAD v4.1: 70 of 1,607,638 alleles (0.0044%); highest among the groups gnomAD compares: Non-Finnish European, 0.0053%; no homozygotes.

Submission:

Labcorp Genetics (formerly Invitae), Labcorp
Classification: Uncertain significance. Last evaluated: 2022-08-03. Review status: criteria provided, single submitter. Criteria: Invitae Variant Classification Sherloc (09022015). Collection method: clinical testing. Allele origin: germline.
Comment: This sequence change replaces methionine, which is neutral and non-polar, with valine, which is neutral and non-polar, at codon 73 of the IFNAR2 protein (p.Met73Val). This variant is present in population databases (rs142850110, gnomAD 0.008%). This variant has not been reported in the literature in individuals affected with IFNAR2-related conditions. ClinVar contains an entry for this variant (Variation ID: 1440396). Algorithms developed to predict the effect of missense changes on protein structure and function are either unavailable or do not agree on the potential impact of this missense change (SIFT: "Tolerated"; PolyPhen-2: "Possibly Damaging"; Align-GVGD: "Class C0"). Algorithms developed to predict the effect of sequence changes on RNA splicing suggest that this variant may create or strengthen a splice site. In summary, the available evidence is currently insufficient to determine the role of this variant in disease. Therefore, it has been classified as a Variant of Uncertain Significance.

NM_001289125.3(IFNAR2):c.217A>G (p.Met73Val)

Genes: IFNAR2 (interferon alpha and beta receptor subunit 2; plus strand), IFNAR2-IL10RB (IFNAR2-IL10RB readthrough; plus strand). Cytogenetic location: 21q22.11.
Variant type: single nucleotide variant.
Coding change: c.217A>G on transcript NM_001289125.3 (MANE Select); coding-DNA position 217, A replaced by G.
Protein change: p.Met73Val; replaces methionine 73 with valine.
Molecular consequence: missense variant.
Genome position (GRCh38, 1-based): chr21:33,245,070, A>G. VCF-style: chr21-33245070-A-G. GRCh37 (hg19) VCF-style: chr21-34617375-A-G.
Other names: c.217A>G, p.Met73Val (NM_000874.5, NM_001289126.2, NM_001289128.2 and 4 more transcripts); short protein forms M73V.
Identifiers: ClinVar variation 1440396 (VCV001440396.3), dbSNP rs142850110, ClinGen allele CA10005582.